The following is an entry in ClinVar:

ClinVar aggregate classification (germline): Uncertain significance (1 of 4 stars; one submission).

Conditions:
Episodic ataxia type 2 (EA2). Also called: ACETAZOLAMIDE-RESPONSIVE HEREDITARY PAROXYSMAL CEREBELLAR ATAXIA; ATAXIA, EPISODIC, WITH NYSTAGMUS; ATAXIA, FAMILIAL PAROXYSMAL; CEREBELLAR ATAXIA, PAROXYSMAL, ACETAZOLAMIDE-RESPONSIVE; CEREBELLOPATHY, HEREDITARY PAROXYSMAL; EPISODIC ATAXIA, NYSTAGMUS-ASSOCIATED. Identifiers: Orphanet 97, MedGen C1720416, MONDO:0007163, OMIM 108500.
Developmental and epileptic encephalopathy, 42 (DEE42A). Also called: DEVELOPMENTAL AND EPILEPTIC ENCEPHALOPATHY 42A; Epileptic encephalopathy, early infantile, 42; EPILEPTIC ENCEPHALOPATHY, EARLY INFANTILE, 42A. Identifiers: MedGen C4310716, MONDO:0014917, OMIM 617106.

Allele frequency attached by ClinVar (database versions not stated): gnomAD exomes below 0.00001.
gnomAD v4.1: 1 of 1,611,646 alleles (0.000062%); highest among the groups gnomAD compares: Non-Finnish European, 0.000085%; no homozygotes.

Submission:

Labcorp Genetics (formerly Invitae), Labcorp
Classification: Uncertain significance for Developmental and epileptic encephalopathy, 42; Episodic ataxia type 2. Last evaluated: 2023-03-08. Review status: criteria provided, single submitter. Criteria: Invitae Variant Classification Sherloc (09022015). Collection method: clinical testing. Allele origin: germline.
Comment: In summary, the available evidence is currently insufficient to determine the role of this variant in disease. Therefore, it has been classified as a Variant of Uncertain Significance. Advanced modeling of protein sequence and biophysical properties (such as structural, functional, and spatial information, amino acid conservation, physicochemical variation, residue mobility, and thermodynamic stability) has been performed at Invitae for this missense variant, however the output from this modeling did not meet the statistical confidence thresholds required to predict the impact of this variant on CACNA1A protein function. ClinVar contains an entry for this variant (Variation ID: 2191665). This variant has not been reported in the literature in individuals affected with CACNA1A-related conditions. This variant is not present in population databases (gnomAD no frequency). This sequence change replaces arginine, which is basic and polar, with cysteine, which is neutral and slightly polar, at codon 387 of the CACNA1A protein (p.Arg387Cys).

NM_001127222.2(CACNA1A):c.1159C>T (p.Arg387Cys)

Gene: CACNA1A (calcium voltage-gated channel subunit alpha1 A; minus strand). Cytogenetic location: 19p13.13.
Variant type: single nucleotide variant.
Coding change: c.1159C>T on transcript NM_001127222.2 (MANE Select); coding-DNA position 1159, C replaced by T.
Protein change: p.Arg387Cys; replaces arginine 387 with cysteine.
Molecular consequence: missense variant.
Genome position (GRCh38, 1-based): chr19:13,334,417, G>A on the plus strand (C>T on the coding strand, the complement: CACNA1A is on the minus strand). VCF-style: chr19-13334417-G-A. GRCh37 (hg19) VCF-style: chr19-13445231-G-A.
Other names: c.1159C>T, p.Arg387Cys (NM_000068.4, NM_001127221.2, NM_001174080.2 and 1 more transcripts); short protein forms R387C.
Identifiers: ClinVar variation 2191665 (VCV002191665.4), dbSNP rs2513049013, ClinGen allele CA404346477.